The following is an entry in ClinVar:

ClinVar aggregate classification (germline): Uncertain significance (1 of 4 stars; one submission).

Allele frequency attached by ClinVar (database versions not stated): gnomAD exomes below 0.00001; ExAC 0.00001; ESP Exome Variant Server 0.00008.
gnomAD v4.1: 3 of 1,614,046 alleles (0.00019%); highest among the groups gnomAD compares: Non-Finnish European, 0.00017%; no homozygotes.

Submission:

Ambry Genetics
Classification: Uncertain significance. Last evaluated: 2022-08-16. Review status: criteria provided, single submitter. Criteria: Ambry Variant Classification Scheme 2023. Collection method: clinical testing. Allele origin: germline.
Comment: The p.V401G variant (also known as c.1202T>G), located in coding exon 4 of the EGLN1 gene, results from a T to G substitution at nucleotide position 1202. The valine at codon 401 is replaced by glycine, an amino acid with dissimilar properties. This amino acid position is not well conserved in available vertebrate species. In addition, the in silico prediction for this alteration is inconclusive. Since supporting evidence is limited at this time, the clinical significance of this alteration remains unclear.

NM_022051.3(EGLN1):c.1202T>G (p.Val401Gly)

Gene: EGLN1 (egl-9 family hypoxia inducible factor 1; minus strand). Cytogenetic location: 1q42.2.
Variant type: single nucleotide variant.
Coding change: c.1202T>G on transcript NM_022051.3 (MANE Select); coding-DNA position 1202, T replaced by G.
Protein change: p.Val401Gly; replaces valine 401 with glycine.
Molecular consequence: missense variant. On other transcripts: 3 prime UTR variant (1), intron variant (1).
Genome position (GRCh38, 1-based): chr1:231,367,583, A>C on the plus strand (T>G on the coding strand, the complement: EGLN1 is on the minus strand). VCF-style: chr1-231367583-A-C. GRCh37 (hg19) VCF-style: chr1-231503329-A-C.
Other names: c.*27T>G (NM_001377261.1); c.1149-1108T>G (NM_001377260.1); short protein forms V401G.
Identifiers: ClinVar variation 1747991 (VCV001747991.2), dbSNP rs149479360, ClinGen allele CA1453001.